The following is an entry in ClinVar:

ClinVar aggregate classification (germline): Uncertain significance (1 of 4 stars; one submission).

Conditions:
Congenital myasthenic syndrome 8. Also called: Myasthenic syndrome, congenital, 8, with pre- and postsynaptic defects; MYASTHENIC SYNDROME, CONGENITAL, DUE TO AGRIN DEFICIENCY. Identifiers: Orphanet 590, MedGen C3808739, MONDO:0014052, OMIM 615120.

Submission:

Labcorp Genetics (formerly Invitae), Labcorp
Classification: Uncertain significance for Congenital myasthenic syndrome 8. Last evaluated: 2022-11-08. Review status: criteria provided, single submitter. Criteria: Invitae Variant Classification Sherloc (09022015). Collection method: clinical testing. Allele origin: germline.
Comment: This sequence change replaces proline, which is neutral and non-polar, with glutamine, which is neutral and polar, at codon 757 of the AGRN protein (p.Pro757Gln). This variant is not present in population databases (gnomAD no frequency). This variant has not been reported in the literature in individuals affected with AGRN-related conditions. Algorithms developed to predict the effect of missense changes on protein structure and function are either unavailable or do not agree on the potential impact of this missense change (SIFT: "Deleterious"; PolyPhen-2: "Possibly Damaging"; Align-GVGD: "Class C0"). In summary, the available evidence is currently insufficient to determine the role of this variant in disease. Therefore, it has been classified as a Variant of Uncertain Significance.

NM_198576.4(AGRN):c.2270C>A (p.Pro757Gln)

Gene: AGRN (agrin; plus strand). Cytogenetic location: 1p36.33.
Variant type: single nucleotide variant.
Coding change: c.2270C>A on transcript NM_198576.4 (MANE Select); coding-DNA position 2270, C replaced by A.
Protein change: p.Pro757Gln; replaces proline 757 with glutamine.
Molecular consequence: missense variant.
Genome position (GRCh38, 1-based): chr1:1,045,176, C>A. VCF-style: chr1-1045176-C-A. GRCh37 (hg19) VCF-style: chr1-980556-C-A.
Other names: c.2270C>A, p.Pro757Gln (NM_001305275.2); c.1955C>A, p.Pro652Gln (NM_001364727.2); short protein forms P757Q, P652Q.
Identifiers: ClinVar variation 1929809 (VCV001929809.5), dbSNP rs202172924, ClinGen allele CA337838398.